The following is an entry in ClinVar:

NM_001754.5(RUNX1):c.679G>T (p.Glu227Ter)

Gene: RUNX1 (RUNX family transcription factor 1; minus strand). Cytogenetic location: 21q22.12.
Variant type: single nucleotide variant.
Coding change: c.679G>T on transcript NM_001754.5 (MANE Select); coding-DNA position 679, G replaced by T.
Protein change: p.Glu227Ter; replaces glutamic acid 227 with a stop codon.
Molecular consequence: nonsense.
Genome position (GRCh38, 1-based): chr21:34,834,536, C>A on the plus strand (G>T on the coding strand, the complement: RUNX1 is on the minus strand). VCF-style: chr21-34834536-C-A. GRCh37 (hg19) VCF-style: chr21-36206833-C-A.
Other names: NM_001001890.2(RUNX1):c.598G>T; NM_001754.5(RUNX1):c.679G>T; p.Glu227Ter; c.598G>T, p.Glu200Ter (NM_001001890.3, NM_001122607.2); short protein forms E200*, E227*.
Identifiers: ClinVar variation 545522 (VCV000545522.3), dbSNP rs1555889984, ClinGen allele CA410206910.
Genomic context (GRCh38, chr21:34,834,536, plus strand): 5'-GCGTGGGGGCTGGGTGGTGTGGGCTGACCCTCATGGCTGTGCGCCGCAGCTGCTCCAGTT[C>A]ACTGAGCCGCTCGGAAAAGGACAAGCTCCCGGGCTTGGTCTGATCATCTAGTTTCTGCCG-3'

ClinVar aggregate classification (germline): Pathogenic. Review status: reviewed by expert panel (3 of 4 stars). 2 submissions from 2 submitters: Pathogenic (1). 1 of the submissions does not count toward it. Last evaluated 2024-03-26.

Conditions:
Hereditary thrombocytopenia and hematologic cancer predisposition syndrome. Identifiers: Orphanet 71290, MedGen CN281654, MONDO:0011071.
Hereditary thrombocytopenia and hematological cancer predisposition syndrome associated with RUNX1. Also called: PLATELET DISORDER, ASPIRIN-LIKE; RUNX1 Familial Platelet Disorder with Associated Myeloid Malignancies; Familial Platelet Disorder with Propensity to Acute Myelogenous Leukemia; Familial thrombocytopenia with propensity to acute myelogenous leukemia. Identifiers: Orphanet 71290, MedGen C1832388, MeSH C563324, MONDO:0100083, OMIM 601399.

Submissions (2):

ClinGen Myeloid Malignancy Variant Curation Expert Panel
Classification: Pathogenic for Hereditary thrombocytopenia and hematologic cancer predisposition syndrome. Last evaluated: 2024-03-26. Review status: reviewed by expert panel. Criteria: ClinGen MyeloMalig ACMG Specifications v2. Collection method: curation. Allele origin: germline. Inheritance: Autosomal dominant inheritance.
Comment: The NM_001001890.2:c.598G>T (p.Glu200Ter) variant is a nonsense variant that is predicted to introduce a premature stop codon and expected to result in nonsense-mediated mRNA decay (PVS1). It is completely absent from all population databases with at least 20x coverage for RUNX1 (PM2_supporting). This variant is a nonsense/frameshift variants that is downstream of c.98 (PM5_Supporting). This variant has been reported in one proband meeting at least one of the RUNX1-phenotypic criteria (PS4_ Supporting; PMID: 30990344). In summary, this variant meets criteria to be classified as pathogenic. ACMG/AMP criteria applied, as specified by the Myeloid Malignancy Variant Curation Expert Panel for RUNX1: PVS1, PM2_supporting, PS4_Supporting, PM5_supporting.

Department of Hematology - Research Laboratory 1, Postgraduate Institute of Medical Education and Research
Classification: Likely pathogenic for Hereditary thrombocytopenia and hematological cancer predisposition syndrome associated with RUNX1. Last evaluated: 2018-05-22. Review status: no assertion criteria provided. Collection method: research. Allele origin: germline. Affected: yes. Observed: 2 variant alleles. Not counted in ClinVar's aggregate classification.
Comment: Heterozygosity confirms the reported autosomal dominant mode of inheritance. NM_001001890(RUNX1):c.598 G>T was not found in 60 alleles of unrelated hematologically normal individuals.

Literature cited by the submitters: PubMed 30990344 (cited by ClinGen Myeloid Malignancy Variant Curation Expert Panel).